The following is an entry in ClinVar:

NM_000368.5(TSC1):c.3350T>C (p.Leu1117Pro)

Gene: TSC1 (TSC complex subunit 1; minus strand). Cytogenetic location: 9q34.13.
Variant type: single nucleotide variant.
Coding change: c.3350T>C on transcript NM_000368.5 (MANE Select); coding-DNA position 3350, T replaced by C.
Protein change: p.Leu1117Pro; replaces leucine 1117 with proline.
Molecular consequence: missense variant.
Genome position (GRCh38, 1-based): chr9:132,896,380, A>G on the plus strand (T>C on the coding strand, the complement: TSC1 is on the minus strand). VCF-style: chr9-132896380-A-G. GRCh37 (hg19) VCF-style: chr9-135771767-A-G.
Other names: c.3347T>C, p.Leu1116Pro (NM_001162426.2); c.3197T>C, p.Leu1066Pro (NM_001162427.2); c.2987T>C, p.Leu996Pro (NM_001362177.2); short protein forms L1117P, L1066P, L1116P, L996P.
Identifiers: ClinVar variation 466132 (VCV000466132.30), dbSNP rs762641110, ClinGen allele CA036590.
Genomic context (GRCh38, chr9:132,896,380, plus strand): 5'-CCATCTAGGTTCAGGGGAATCTTGGCTTCCACACCCAAGTCTTTGCCCAGTTCTGTCTTT[A>G]GGCTCTCAGAAAGGCTACTGGTCATGCCGTCCTCATCACACTGGCTCTCGCTCTTATTAC-3'
Protein context (NP_000359.1, residues 1107-1127): DGMTSSLSES[Leu1117Pro]KTELGKDLGV

ClinVar aggregate classification (germline): Conflicting classifications of pathogenicity. Review status: criteria provided, conflicting classifications (1 of 4 stars). 6 submissions from 6 submitters: Uncertain significance (3); Likely benign (2). 1 of the submissions does not count toward it. Last evaluated 2026-03-09.

Conditions:
Tuberous sclerosis syndrome (TSC). Also called: Tuberous Sclerosis Complex; Tuberous sclerosis. Identifiers: Orphanet 805, MedGen C0041341, MONDO:0001734.
Tuberous sclerosis 1 (TSC1). Identifiers: Orphanet 805, MedGen C1854465, MONDO:0008612, OMIM 191100.
TSC1-related disorder. Also called: TSC1-related condition.
Hereditary cancer-predisposing syndrome. Also called: Neoplastic Syndromes, Hereditary; Tumor predisposition; Hereditary neoplastic syndrome; Hereditary Cancer Syndrome. Identifiers: Orphanet 140162, MedGen C0027672, MeSH D009386, MONDO:0015356.

Allele frequency attached by ClinVar (database versions not stated): TOPMed 0.00001; gnomAD 0.00001; gnomAD exomes below 0.00001; ExAC 0.00001.
gnomAD v4.1: 10 of 1,614,060 alleles (0.00062%); highest among the groups gnomAD compares: Non-Finnish European, 0.00085%; no homozygotes.

Submissions (6):

Ambry Genetics
Classification: Likely benign for Hereditary cancer-predisposing syndrome. Last evaluated: 2026-03-09. Review status: criteria provided, single submitter. Criteria: Ambry Variant Classification Scheme 2023. Collection method: clinical testing. Allele origin: germline.

Labcorp Genetics (formerly Invitae), Labcorp
Classification: Likely benign for Tuberous sclerosis 1. Last evaluated: 2025-05-04. Review status: criteria provided, single submitter. Criteria: Invitae Variant Classification Sherloc (09022015). Collection method: clinical testing. Allele origin: germline.

Color Diagnostics, LLC DBA Color Health
Classification: Uncertain significance for Tuberous sclerosis syndrome. Last evaluated: 2023-08-31. Review status: criteria provided, single submitter. Criteria: ACMG Guidelines, 2015. Collection method: clinical testing. Allele origin: germline.
Comment: This missense variant replaces leucine with proline at codon 1117 of the TSC1 protein. Computational prediction is inconclusive regarding the impact of this variant on protein structure and function. To our knowledge, functional studies have not been reported for this variant. This variant has not been reported in individuals affected with TSC1-related disorders in the literature. This variant has been identified in 1/251436 chromosomes in the general population by the Genome Aggregation Database (gnomAD). The available evidence is insufficient to determine the role of this variant in disease conclusively. Therefore, this variant is classified as a Variant of Uncertain Significance.

GeneDx
Classification: Uncertain significance. Last evaluated: 2023-06-05. Review status: criteria provided, single submitter. Criteria: GeneDx Variant Classification Process June 2021. Collection method: clinical testing. Allele origin: germline. Affected: yes.
Comment: In silico analysis supports that this missense variant does not alter protein structure/function; Has not been previously published as pathogenic or benign to our knowledge

Genome-Nilou Lab
Classification: Uncertain significance for Tuberous sclerosis 1. Last evaluated: 2021-11-07. Review status: criteria provided, single submitter. Criteria: ACMG Guidelines, 2015. Collection method: clinical testing. Allele origin: germline. Affected: no.

PreventionGenetics, part of Exact Sciences
Classification: Uncertain significance for TSC1-related condition. Last evaluated: 2024-05-17. Review status: no assertion criteria provided. Collection method: clinical testing. Allele origin: germline. Not counted in ClinVar's aggregate classification.
Comment: The TSC1 c.3350T>C variant is predicted to result in the amino acid substitution p.Leu1117Pro. To our knowledge, this variant has not been reported in the literature. This variant is reported in 0.00088% of alleles in individuals of European (Non-Finnish) descent in gnomAD. In ClinVar, This variant is interpreted as likely benign/uncertain. At this time, the clinical significance of this variant is uncertain due to the absence of conclusive functional and genetic evidence.